The following is an entry in ClinVar:

NM_201384.3(PLEC):c.7564G>A (p.Asp2522Asn)

Gene: PLEC (plectin; minus strand). Cytogenetic location: 8q24.3.
Variant type: single nucleotide variant.
Coding change: c.7564G>A on transcript NM_201384.3 (MANE Select); coding-DNA position 7564, G replaced by A.
Protein change: p.Asp2522Asn; replaces aspartic acid 2522 with asparagine.
Molecular consequence: missense variant.
Genome position (GRCh38, 1-based): chr8:143,922,257, C>T on the plus strand (G>A on the coding strand, the complement: PLEC is on the minus strand). VCF-style: chr8-143922257-C-T. GRCh37 (hg19) VCF-style: chr8-144996425-C-T.
Other names: c.7645G>A, p.Asp2549Asn (NM_000445.5); c.7522G>A, p.Asp2508Asn (NM_201378.4); c.7498G>A, p.Asp2500Asn (NM_201379.3); c.7975G>A, p.Asp2659Asn (NM_201380.4); c.7468G>A, p.Asp2490Asn (NM_201381.3); c.7564G>A, p.Asp2522Asn (NM_201382.4); c.7576G>A, p.Asp2526Asn (NM_201383.3); short protein forms D2659N, D2522N, D2549N, D2500N, D2490N, D2508N, D2526N.
Identifiers: ClinVar variation 1468265 (VCV001468265.6), dbSNP rs1554689102, ClinGen allele CA372524454.

ClinVar aggregate classification (germline): Uncertain significance (1 of 4 stars; one submission).

Conditions:
Epidermolysis bullosa simplex 5B, with muscular dystrophy (EBS5B). Also called: EPIDERMOLYSIS BULLOSA SIMPLEX AND LIMB-GIRDLE MUSCULAR DYSTROPHY; Epidermolysis bullosa simplex with muscular dystrophy. Identifiers: Orphanet 257, MedGen C2931072, MONDO:0009181, OMIM 226670.
Epidermolysis bullosa simplex, Ogna type (EBS5A). Also called: Pidermolysis bullosa simplex 5A, Ogna type; EPIDERMOLYSIS BULLOSA SIMPLEX 5A, OGNA TYPE. Identifiers: Orphanet 79401, MedGen C0432317, MONDO:0007555, OMIM 131950.
Epidermolysis bullosa simplex with nail dystrophy (EBS5D). Identifiers: MedGen C4225309, MONDO:0014661, OMIM 616487.
Autosomal recessive limb-girdle muscular dystrophy type 2Q (LGMDR17). Also called: MUSCULAR DYSTROPHY, LIMB-GIRDLE, AUTOSOMAL RECESSIVE 17. Identifiers: Orphanet 254361, MedGen C3150989, MONDO:0013390, OMIM 613723.
Epidermolysis bullosa simplex 5C, with pyloric atresia (EBS5C). Also called: PLEC1-Related Epidermolysis Bullosa with Pyloric Atresia; PLEC-Related Epidermolysis Bullosa with Pyloric Atresia; Epidermolysis bullosa simplex with pyloric atresia. Identifiers: Orphanet 158684, MedGen C2677349, MONDO:0012807, OMIM 612138.

Allele frequency attached by ClinVar (database versions not stated): gnomAD exomes below 0.00001; TOPMed below 0.00001; gnomAD 0.00001.
gnomAD v4.1: 5 of 1,598,604 alleles (0.00031%); highest among the groups gnomAD compares: Admixed American, 0.0017%; no homozygotes.

Submission:

Labcorp Genetics (formerly Invitae), Labcorp
Classification: Uncertain significance for Autosomal recessive limb-girdle muscular dystrophy type 2Q; Epidermolysis bullosa simplex, Ogna type; Epidermolysis bullosa simplex with nail dystrophy; Epidermolysis bullosa simplex 5C, with pyloric atresia; Epidermolysis bullosa simplex 5B, with muscular dystrophy. Last evaluated: 2022-09-01. Review status: criteria provided, single submitter. Criteria: Invitae Variant Classification Sherloc (09022015). Collection method: clinical testing. Allele origin: germline.
Comment: This sequence change replaces aspartic acid, which is acidic and polar, with asparagine, which is neutral and polar, at codon 2549 of the PLEC protein (p.Asp2549Asn). In summary, the available evidence is currently insufficient to determine the role of this variant in disease. Therefore, it has been classified as a Variant of Uncertain Significance. Algorithms developed to predict the effect of missense changes on protein structure and function are either unavailable or do not agree on the potential impact of this missense change (SIFT: "Deleterious"; PolyPhen-2: "Possibly Damaging"; Align-GVGD: "Class C0"). ClinVar contains an entry for this variant (Variation ID: 1468265). This variant has not been reported in the literature in individuals affected with PLEC-related conditions. This variant is present in population databases (no rsID available, gnomAD 0.003%).